The following is an entry in ClinVar:

ClinVar aggregate classification (germline): Conflicting classifications of pathogenicity. Review status: criteria provided, conflicting classifications (1 of 4 stars). 5 submissions from 5 submitters: Uncertain significance (2); Benign (1); Likely benign (1). 1 of the submissions does not count toward it. Last evaluated 2026-01-24.

Conditions:
ADGRV1-related disorder. Also called: ADGRV1-related condition; ADGRV1-related disorders.
Usher syndrome type 2C. Also called: Usher syndrome, type 2B; USHER SYNDROME, TYPE IIC. Identifiers: Orphanet 231178, Orphanet 886, MedGen C2931213, MONDO:0011558, OMIM 605472.

Allele frequency attached by ClinVar (database versions not stated): gnomAD 0.00004 and 0.00005; gnomAD exomes 0.00006 and 0.00017; TOPMed 0.00013; 1000 Genomes Project 30x 0.00016; ExAC 0.00016.
gnomAD v4.1: 95 of 1,612,872 alleles (0.0059%); highest among the groups gnomAD compares: East Asian, 0.19%; no homozygotes.

Submissions (5):

Labcorp Genetics (formerly Invitae), Labcorp
Classification: Likely benign. Last evaluated: 2026-01-24. Review status: criteria provided, single submitter. Criteria: Invitae Variant Classification Sherloc (09022015). Collection method: clinical testing. Allele origin: germline.

Blueprint Genetics
Classification: Benign. Last evaluated: 2021-10-19. Review status: criteria provided, single submitter. Criteria: ACMG Guidelines, 2015. Collection method: clinical testing. Allele origin: germline.

Laboratory for Molecular Medicine, Mass General Brigham Personalized Medicine
Classification: Uncertain significance. Last evaluated: 2019-08-14. Review status: criteria provided, single submitter. Criteria: LMM Criteria. Collection method: clinical testing. Allele origin: germline. Observed: 1 variant allele.
Comment: The p.Glu139Lys variant in ADGRV1 has not been previously reported in individuals with Usher syndrone but has been identified in 0.2% (43/19396) of East Asian chromosomes by gnomAD. Computational prediction tools and conservation analyses do not provide strong support for or against an impact to the protein. In summary, the clinical significance of this variant is uncertain. ACMG/AMP Criteria applied: BS1_Supporting.

Illumina Laboratory Services, Illumina
Classification: Uncertain significance for Usher syndrome type 2C. Last evaluated: 2018-01-12. Review status: criteria provided, single submitter. Criteria: ICSL Variant Classification Criteria 13 December 2019. Collection method: clinical testing. Allele origin: germline.

PreventionGenetics, part of Exact Sciences
Classification: Likely benign for ADGRV1-related condition. Last evaluated: 2024-07-16. Review status: no assertion criteria provided. Collection method: clinical testing. Allele origin: germline. Not counted in ClinVar's aggregate classification.
Comment: This variant is classified as likely benign based on ACMG/AMP sequence variant interpretation guidelines (Richards et al. 2015 PMID: 25741868, with internal and published modifications).

NM_032119.4(ADGRV1):c.4171G>A (p.Glu1391Lys)

Gene: ADGRV1 (adhesion G protein-coupled receptor V1; plus strand). Cytogenetic location: 5q14.3.
Variant type: single nucleotide variant.
Coding change: c.4171G>A on transcript NM_032119.4 (MANE Select); coding-DNA position 4171, G replaced by A.
Protein change: p.Glu1391Lys; replaces glutamic acid 1391 with lysine.
Molecular consequence: missense variant. On other transcripts: non-coding transcript variant (1).
Genome position (GRCh38, 1-based): chr5:90,653,745, G>A. VCF-style: chr5-90653745-G-A. GRCh37 (hg19) VCF-style: chr5-89949562-G-A.
Other names: short protein forms E1391K.
Identifiers: ClinVar variation 907154 (VCV000907154.19), dbSNP rs766007827, ClinGen allele CA3339299.
Genomic context (GRCh38, chr5:90,653,745, plus strand): 5'-ATTATAGCGAAGGATGACGGTAATGGAAGCATCTACTACGGGGTAAAAATACAAACAAAC[G>A]AATCCCATGTGACACTTTCCCTTCATTATAAAACCTTGGGTTCCAATGCTACATACATTG-3'
Protein context (NP_115495.3, residues 1381-1401): IYYGVKIQTN[Glu1391Lys]SHVTLSLHYK